The following is an entry in ClinVar:

NM_001363711.2(DUOX2):c.442G>T (p.Val148Leu)

Gene: DUOX2 (dual oxidase 2; minus strand). Cytogenetic location: 15q21.1.
Variant type: single nucleotide variant.
Coding change: c.442G>T on transcript NM_001363711.2 (MANE Select); coding-DNA position 442, G replaced by T.
Protein change: p.Val148Leu; replaces valine 148 with leucine.
Molecular consequence: missense variant.
Genome position (GRCh38, 1-based): chr15:45,111,839, C>A on the plus strand (G>T on the coding strand, the complement: DUOX2 is on the minus strand). VCF-style: chr15-45111839-C-A. GRCh37 (hg19) VCF-style: chr15-45404037-C-A.
Other names: c.442G>T, p.Val148Leu (NM_014080.5); short protein forms V148L.
Identifiers: ClinVar variation 1349127 (VCV001349127.3), dbSNP rs764043878, ClinGen allele CA7538956.

ClinVar aggregate classification (germline): Uncertain significance (1 of 4 stars; one submission).

Allele frequency attached by ClinVar (database versions not stated): ExAC 0.00001; gnomAD exomes 0.00001.
gnomAD v4.1: 6 of 1,613,318 alleles (0.00037%); highest among the groups gnomAD compares: South Asian, 0.0066%; no homozygotes.

Submission:

Labcorp Genetics (formerly Invitae), Labcorp
Classification: Uncertain significance. Last evaluated: 2022-10-18. Review status: criteria provided, single submitter. Criteria: Invitae Variant Classification Sherloc (09022015). Collection method: clinical testing. Allele origin: germline.
Comment: This sequence change replaces valine, which is neutral and non-polar, with leucine, which is neutral and non-polar, at codon 148 of the DUOX2 protein (p.Val148Leu). The frequency data for this variant in the population databases is considered unreliable, as metrics indicate poor data quality at this position in the gnomAD database. This variant has not been reported in the literature in individuals affected with DUOX2-related conditions. ClinVar contains an entry for this variant (Variation ID: 1349127). Advanced modeling of protein sequence and biophysical properties (such as structural, functional, and spatial information, amino acid conservation, physicochemical variation, residue mobility, and thermodynamic stability) performed at Invitae indicates that this missense variant is not expected to disrupt DUOX2 protein function. In summary, the available evidence is currently insufficient to determine the role of this variant in disease. Therefore, it has been classified as a Variant of Uncertain Significance.